The following is an entry in ClinVar:

NM_001457.4(FLNB):c.4430G>T (p.Gly1477Val)

Gene: FLNB (filamin B; plus strand). Cytogenetic location: 3p14.3.
Variant type: single nucleotide variant.
Coding change: c.4430G>T on transcript NM_001457.4 (MANE Select); coding-DNA position 4430, G replaced by T.
Protein change: p.Gly1477Val; replaces glycine 1477 with valine.
Molecular consequence: missense variant.
Genome position (GRCh38, 1-based): chr3:58,132,847, G>T. VCF-style: chr3-58132847-G-T. GRCh37 (hg19) VCF-style: chr3-58118574-G-T.
Other names: c.4523G>T, p.Gly1508Val (NM_001164317.2); c.4430G>T, p.Gly1477Val (NM_001164318.2, NM_001164319.2); short protein forms G1477V, G1508V.
Identifiers: ClinVar variation 1383331 (VCV001383331.6), dbSNP rs2107212242, ClinGen allele CA353351250.

ClinVar aggregate classification (germline): Uncertain significance (1 of 4 stars; one submission).

Submission:

Labcorp Genetics (formerly Invitae), Labcorp
Classification: Uncertain significance. Last evaluated: 2021-09-26. Review status: criteria provided, single submitter. Criteria: Invitae Variant Classification Sherloc (09022015). Collection method: clinical testing. Allele origin: germline.
Comment: This sequence change replaces glycine with valine at codon 1477 of the FLNB protein (p.Gly1477Val). The glycine residue is highly conserved and there is a moderate physicochemical difference between glycine and valine. This variant is not present in population databases (ExAC no frequency). This variant has not been reported in the literature in individuals affected with FLNB-related conditions. Advanced modeling of protein sequence and biophysical properties (such as structural, functional, and spatial information, amino acid conservation, physicochemical variation, residue mobility, and thermodynamic stability) performed at Invitae indicates that this missense variant is expected to disrupt FLNB protein function. In summary, the available evidence is currently insufficient to determine the role of this variant in disease. Therefore, it has been classified as a Variant of Uncertain Significance.